The following is an entry in ClinVar:

ClinVar aggregate classification (germline): Uncertain significance. Review status: criteria provided, multiple submitters, no conflicts (2 of 4 stars). 2 submissions from 2 submitters: Uncertain significance (2). Last evaluated 2024-03-28.

Conditions:
Hereditary cancer-predisposing syndrome. Also called: Neoplastic Syndromes, Hereditary; Hereditary Cancer Syndrome; Tumor predisposition; Hereditary neoplastic syndrome. Identifiers: Orphanet 140162, MedGen C0027672, MeSH D009386, MONDO:0015356.

Submissions (2):

Blueprint Genetics
Classification: Uncertain significance. Last evaluated: 2024-03-28. Review status: criteria provided, single submitter. Criteria: ACMG Guidelines, 2015. Collection method: clinical testing. Allele origin: germline.

Ambry Genetics
Classification: Uncertain significance for Hereditary cancer-predisposing syndrome. Last evaluated: 2024-03-06. Review status: criteria provided, single submitter. Criteria: Ambry Variant Classification Scheme 2023. Collection method: clinical testing. Allele origin: germline.
Comment: The p.C661G variant (also known as c.1981T>G), located in coding exon 13 of the BRIP1 gene, results from a T to G substitution at nucleotide position 1981. The cysteine at codon 661 is replaced by glycine, an amino acid with highly dissimilar properties. This amino acid position is highly conserved in available vertebrate species. In addition, the in silico prediction for this alteration is inconclusive. Based on the available evidence, the clinical significance of this alteration remains unclear.

NM_032043.3(BRIP1):c.1981T>G (p.Cys661Gly)

Gene: BRIP1 (BRCA1 interacting DNA helicase 1; minus strand). Cytogenetic location: 17q23.2.
Variant type: single nucleotide variant.
Coding change: c.1981T>G on transcript NM_032043.3 (MANE Select); coding-DNA position 1981, T replaced by G.
Protein change: p.Cys661Gly; replaces cysteine 661 with glycine.
Molecular consequence: missense variant.
Genome position (GRCh38, 1-based): chr17:61,776,517, A>C on the plus strand (T>G on the coding strand, the complement: BRIP1 is on the minus strand). VCF-style: chr17-61776517-A-C. GRCh37 (hg19) VCF-style: chr17-59853878-A-C.
Other names: short protein forms C661G.
Identifiers: ClinVar variation 233429 (VCV000233429.6), dbSNP rs876660402, ClinGen allele CA10580819.